The following is an entry in ClinVar:

NM_024529.5(CDC73):c.26G>A (p.Arg9Gln)

Gene: CDC73 (cell division cycle 73; plus strand). Cytogenetic location: 1q31.2.
Variant type: single nucleotide variant.
Coding change: c.26G>A on transcript NM_024529.5 (MANE Select); coding-DNA position 26, G replaced by A.
Protein change: p.Arg9Gln; replaces arginine 9 with glutamine.
Molecular consequence: missense variant.
Genome position (GRCh38, 1-based): chr1:193,122,226, G>A. VCF-style: chr1-193122226-G-A. GRCh37 (hg19) VCF-style: chr1-193091356-G-A.
Other names: short protein forms R9Q.
Identifiers: ClinVar variation 1404245 (VCV001404245.8), dbSNP rs2103111603, ClinGen allele CA343972772.
Genomic context (GRCh38, chr1:193,122,226, plus strand): 5'-GGCGCCCCGAGCCGGCGGAGGCGAGGGGGGGGAAGATGGCGGACGTGCTTAGCGTCCTGC[G>A]ACAGTACAACATCCAGAAGAAGGAGATTGTGGTGAAGGGAGACGAAGTGATCTTCGGGGA-3'
Protein context (NP_078805.3, residues 1-19): MADVLSVL[Arg9Gln]QYNIQKKEIV

ClinVar aggregate classification (germline): Uncertain significance (1 of 4 stars; one submission).

Conditions:
Parathyroid carcinoma (PRTC). Also called: CDC73-Related Parathyroid Carcinoma; Parathyroid gland carcinoma. Identifiers: Orphanet 143, MedGen C0687150, MONDO:0012004, OMIM 608266, HP:0006780.

Allele frequency attached by ClinVar (database versions not stated): gnomAD exomes below 0.00001.
gnomAD v4.1: 1 of 1,614,220 alleles (0.000062%); highest among the groups gnomAD compares: Non-Finnish European, 0.000085%; no homozygotes.

Submission:

Labcorp Genetics (formerly Invitae), Labcorp
Classification: Uncertain significance for Parathyroid carcinoma. Last evaluated: 2025-04-09. Review status: criteria provided, single submitter. Criteria: Invitae Variant Classification Sherloc (09022015). Collection method: clinical testing. Allele origin: germline.
Comment: This sequence change replaces arginine, which is basic and polar, with glutamine, which is neutral and polar, at codon 9 of the CDC73 protein (p.Arg9Gln). This variant is not present in population databases (gnomAD no frequency). This variant has not been reported in the literature in individuals affected with CDC73-related conditions. ClinVar contains an entry for this variant (Variation ID: 1404245). Invitae Evidence Modeling of protein sequence and biophysical properties (such as structural, functional, and spatial information, amino acid conservation, physicochemical variation, residue mobility, and thermodynamic stability) indicates that this missense variant is not expected to disrupt CDC73 protein function with a negative predictive value of 80%. In summary, the available evidence is currently insufficient to determine the role of this variant in disease. Therefore, it has been classified as a Variant of Uncertain Significance.